The following is an entry in ClinVar:

ClinVar aggregate classification (germline): Likely pathogenic (1 of 4 stars; one submission).

Conditions:
Nemaline myopathy 5 (NEM5A). Also called: NEMALINE MYOPATHY 5A, AUTOSOMAL RECESSIVE, SEVERE INFANTILE; Nemaline myopathy 5, Amish type; NEMALINE MYOPATHY, AMISH TYPE. Identifiers: Orphanet 98902, MedGen C1854380, MONDO:0011539, OMIM 605355.

Allele frequency attached by ClinVar (database versions not stated): TOPMed below 0.00001.
gnomAD v4.1: 39 of 1,614,200 alleles (0.0024%); highest among the groups gnomAD compares: Non-Finnish European, 0.0031%; no homozygotes.

Submission:

Labcorp Genetics (formerly Invitae), Labcorp
Classification: Likely pathogenic for Nemaline myopathy 5. Last evaluated: 2023-10-13. Review status: criteria provided, single submitter. Criteria: Invitae Variant Classification Sherloc (09022015). Collection method: clinical testing. Allele origin: germline.
Comment: This sequence change affects a donor splice site in intron 10 of the TNNT1 gene. It is expected to disrupt RNA splicing. Variants that disrupt the donor or acceptor splice site typically lead to a loss of protein function (PMID: 16199547), and loss-of-function variants in TNNT1 are known to be pathogenic (PMID: 10952871, 24689076, 25430424). This variant is present in population databases (rs766934517, gnomAD 0.004%). This variant has not been reported in the literature in individuals affected with TNNT1-related conditions. ClinVar contains an entry for this variant (Variation ID: 1066598). Algorithms developed to predict the effect of sequence changes on RNA splicing suggest that this variant may disrupt the consensus splice site. In summary, the currently available evidence indicates that the variant is pathogenic, but additional data are needed to prove that conclusively. Therefore, this variant has been classified as Likely Pathogenic.

Literature cited by the submitters: PubMed 16199547; PubMed 10952871; PubMed 24689076; PubMed 25430424.

NM_003283.6(TNNT1):c.501+1G>A

Gene: TNNT1 (troponin T1, slow skeletal type; minus strand). Cytogenetic location: 19q13.42.
Variant type: single nucleotide variant.
Coding change: c.501+1G>A on transcript NM_003283.6 (MANE Select); the canonical splice donor site of the intron after coding-DNA position 501, G replaced by A.
Molecular consequence: splice donor variant.
Genome position (GRCh38, 1-based): chr19:55,137,960, C>T on the plus strand (G>A on the coding strand, the complement: TNNT1 is on the minus strand). VCF-style: chr19-55137960-C-T. GRCh37 (hg19) VCF-style: chr19-55649328-C-T.
Other names: c.468+1G>A (NM_001126133.3, NM_001291774.2); c.501+1G>A (NM_001126132.3).
Identifiers: ClinVar variation 1066598 (VCV001066598.7), dbSNP rs766934517, ClinGen allele CA9667405.